The following is an entry in ClinVar:

NM_005045.4(RELN):c.6077A>G (p.Asn2026Ser)

Gene: RELN (reelin; minus strand). Cytogenetic location: 7q22.1.
Variant type: single nucleotide variant.
Coding change: c.6077A>G on transcript NM_005045.4 (MANE Select); coding-DNA position 6077, A replaced by G.
Protein change: p.Asn2026Ser; replaces asparagine 2026 with serine.
Molecular consequence: missense variant.
Genome position (GRCh38, 1-based): chr7:103,551,292, T>C on the plus strand (A>G on the coding strand, the complement: RELN is on the minus strand). VCF-style: chr7-103551292-T-C. GRCh37 (hg19) VCF-style: chr7-103191739-T-C.
Other names: c.6077A>G, p.Asn2026Ser (NM_173054.3); short protein forms N2026S.
Identifiers: ClinVar variation 1061861 (VCV001061861.9), dbSNP rs1830405923, ClinGen allele CA368738866.
Genomic context (GRCh38, chr7:103,551,292, plus strand): 5'-TCCCTTGAAAATTCCAGTCTCACTGGATCCGCGGATGAGCTATCAGTCGAACAGCCAACG[T>C]TGATCTTGGGGATGAAGAAAAAAATGATACAAATTACCTCAGAGCAACAAGCCTTGAAAT-3'
Protein context (NP_005036.2, residues 2016-2036): NENTIIQFEI[Asn2026Ser]VGCSTDSSSA

ClinVar aggregate classification (germline): Uncertain significance (1 of 4 stars; one submission).

Conditions:
Familial temporal lobe epilepsy 7. Identifiers: Orphanet 101046, MedGen C4225327, MONDO:0014639, OMIM 616436.
Norman-Roberts syndrome (LIS2). Also called: Lissencephaly 2 (Norman-Roberts type). Identifiers: Orphanet 89844, MedGen C0796089, MONDO:0009760, OMIM 257320.

Allele frequency attached by ClinVar (database versions not stated): TOPMed below 0.00001.

Submission:

Labcorp Genetics (formerly Invitae), Labcorp
Classification: Uncertain significance for Familial temporal lobe epilepsy 7; Norman-Roberts syndrome. Last evaluated: 2020-10-09. Review status: criteria provided, single submitter. Criteria: Invitae Variant Classification Sherloc (09022015). Collection method: clinical testing. Allele origin: germline.
Comment: In summary, the available evidence is currently insufficient to determine the role of this variant in disease. Therefore, it has been classified as a Variant of Uncertain Significance. Algorithms developed to predict the effect of missense changes on protein structure and function are either unavailable or do not agree on the potential impact of this missense change (SIFT: "Deleterious"; PolyPhen-2: "Probably Damaging"; Align-GVGD: "Class C0"). This variant has not been reported in the literature in individuals with RELN-related conditions. This variant is not present in population databases (ExAC no frequency). This sequence change replaces asparagine with serine at codon 2026 of the RELN protein (p.Asn2026Ser). The asparagine residue is highly conserved and there is a small physicochemical difference between asparagine and serine.